The following is an entry in ClinVar:

ClinVar aggregate classification (germline): Pathogenic (1 of 4 stars; one submission).

Conditions:
Emery-Dreifuss muscular dystrophy 4, autosomal dominant (EDMD4). Also called: EMERY-DREIFUSS MUSCULAR DYSTROPHY 4 WITH VARIABLE FEATURES. Identifiers: Orphanet 261, MedGen C2751807, MONDO:0013071, OMIM 612998.
Autosomal recessive ataxia, Beauce type. Also called: Spinocerebellar ataxia, autosomal recessive 8; ATAXIA, RECESSIVE, OF BEAUCE; SYNE1 Deficiency; SYNE1-Related Autosomal Recessive Cerebellar Ataxia. Identifiers: Orphanet 88644, MedGen C1853116, MONDO:0012549, OMIM 610743.

Submission:

Labcorp Genetics (formerly Invitae), Labcorp
Classification: Pathogenic for Emery-Dreifuss muscular dystrophy 4, autosomal dominant; Autosomal recessive ataxia, Beauce type. Last evaluated: 2021-11-25. Review status: criteria provided, single submitter. Criteria: Invitae Variant Classification Sherloc (09022015). Collection method: clinical testing. Allele origin: germline.
Comment: This sequence change creates a premature translational stop signal (p.Thr5977Serfs*2) in the SYNE1 gene. It is expected to result in an absent or disrupted protein product. Loss-of-function variants in SYNE1 are known to be pathogenic (PMID: 19542096, 24319099, 27086870). This variant is not present in population databases (gnomAD no frequency). This variant has not been reported in the literature in individuals affected with SYNE1-related conditions. For these reasons, this variant has been classified as Pathogenic.

Literature cited by the submitters: PubMed 19542096; PubMed 24319099; PubMed 27086870.

NM_182961.4(SYNE1):c.18141_18144del (p.Thr6048fs)

Gene: SYNE1 (spectrin repeat containing nuclear envelope protein 1; minus strand). Cytogenetic location: 6q25.2.
Variant type: Deletion.
Coding change: c.18141_18144del on transcript NM_182961.4 (MANE Select); coding-DNA positions 18141 to 18144, 4 bases deleted (CACT; older notation c.18141_18144delCACT).
Protein change: p.Thr6048fs; shifts the reading frame from threonine 6048.
Molecular consequence: frameshift variant.
Genome position (GRCh38, 1-based): chr6:152,284,041-152,284,044, AGTG deleted on the plus strand (CACT on the coding strand, the reverse complement: SYNE1 is on the minus strand); deleting any 4 consecutive bases within chr6:152,284,041-152,284,046 gives the same sequence; the c. name uses the placement nearest the transcript's 3' end. VCF-style (leftmost placement, unchanged base first): chr6-152284040-CAGTG-C. GRCh37 (hg19) VCF-style: chr6-152605175-CAGTG-C.
Other names: c.17928_17931del, p.Thr5977fs (NM_033071.5); short protein forms T6048fs, T5977fs.
Identifiers: ClinVar variation 1452139 (VCV001452139.1), dbSNP rs2153732048, ClinGen allele CA2573140637.